The following is an entry in ClinVar:

NM_000059.4(BRCA2):c.172G>T (p.Glu58Ter)

Gene: BRCA2 (BRCA2 DNA repair associated; plus strand). Cytogenetic location: 13q13.1.
Variant type: single nucleotide variant.
Coding change: c.172G>T on transcript NM_000059.4 (MANE Select); coding-DNA position 172, G replaced by T.
Protein change: p.Glu58Ter; replaces glutamic acid 58 with a stop codon.
Molecular consequence: nonsense.
Genome position (GRCh38, 1-based): chr13:32,319,181, G>T. VCF-style: chr13-32319181-G-T. GRCh37 (hg19) VCF-style: chr13-32893318-G-T.
Other names: short protein forms E58*.
Identifiers: ClinVar variation 51180 (VCV000051180.14), dbSNP rs397507603, ClinGen allele CA013013.

ClinVar aggregate classification (germline): Pathogenic. Review status: reviewed by expert panel (3 of 4 stars). 5 submissions from 5 submitters: Pathogenic (1). 4 of the submissions do not count toward it. Last evaluated 2017-12-15.

Conditions:
Hereditary cancer-predisposing syndrome. Also called: Neoplastic Syndromes, Hereditary; Tumor predisposition; Hereditary Cancer Syndrome; Hereditary neoplastic syndrome. Identifiers: Orphanet 140162, MedGen C0027672, MeSH D009386, MONDO:0015356.
Hereditary breast ovarian cancer syndrome. Also called: Hereditary breast and ovarian cancer syndrome; Hereditary breast and ovarian cancer; Hereditary breast and ovarian cancer syndrome (HBOC); Breast and ovarian cancer; Hereditary breast and/or ovarian cancer syndrome; BRCA1- and BRCA2-Associated Hereditary Breast and Ovarian Cancer. Identifiers: Orphanet 145, MedGen C0677776, MeSH D061325, MONDO:0003582. Disease mechanism: loss of function.
Familial cancer of breast. Also called: BREAST CANCER, FAMILIAL; Hereditary breast cancer; hereditary breast carcinoma. Identifiers: Orphanet 227535, MedGen C0346153, MONDO:0016419, OMIM 114480. Disease mechanism: loss of function.
Breast-ovarian cancer, familial, susceptibility to, 2 (BROVCA2). Also called: BRCA2 Hereditary Breast and Ovarian Cancer. Identifiers: Orphanet 145, MedGen C2675520, MONDO:0012933, OMIM 612555. Disease mechanism: loss of function.

Submissions (5):

Evidence-based Network for the Interpretation of Germline Mutant Alleles (ENIGMA)
Classification: Pathogenic for Breast-ovarian cancer, familial, susceptibility to, 2. Last evaluated: 2017-12-15. Review status: reviewed by expert panel. Criteria: ENIGMA BRCA1/2 Classification Criteria (2017-06-29). Collection method: curation. Allele origin: germline. Study: ENIGMA.
Comment: Variant allele predicted to encode a truncated non-functional protein.

Ambry Genetics
Classification: Pathogenic for Hereditary cancer-predisposing syndrome. Last evaluated: 2025-09-24. Review status: criteria provided, single submitter. Criteria: Ambry Variant Classification Scheme 2023. Collection method: clinical testing. Allele origin: germline. Not counted in ClinVar's aggregate classification.
Comment: The p.E58* pathogenic mutation (also known as c.172G>T), located in coding exon 2 of the BRCA2 gene, results from a G to T substitution at nucleotide position 172. This variant is considered to be rare based on population cohorts in the Genome Aggregation Database (gnomAD). This changes the amino acid from a glutamic acid to a stop codon within coding exon 2. This alteration is expected to result in loss of function by premature protein truncation or nonsense-mediated mRNA decay. As such, this alteration is interpreted as a disease-causing mutation.

Labcorp Genetics (formerly Invitae), Labcorp
Classification: Pathogenic for Hereditary breast ovarian cancer syndrome. Last evaluated: 2024-11-05. Review status: criteria provided, single submitter. Criteria: Invitae Variant Classification Sherloc (09022015). Collection method: clinical testing. Allele origin: germline. Not counted in ClinVar's aggregate classification.
Comment: This sequence change creates a premature translational stop signal (p.Glu58*) in the BRCA2 gene. It is expected to result in an absent or disrupted protein product. Loss-of-function variants in BRCA2 are known to be pathogenic (PMID: 20104584). This variant is not present in population databases (gnomAD no frequency). This premature translational stop signal has been observed in individual(s) with personal or family history of breast and/or ovarian cancer (PMID: 21939546). ClinVar contains an entry for this variant (Variation ID: 51180). Algorithms developed to predict the effect of sequence changes on RNA splicing suggest that this variant may disrupt the consensus splice site. For these reasons, this variant has been classified as Pathogenic.

Baylor Genetics
Classification: Pathogenic for Familial cancer of breast. Last evaluated: 2023-11-09. Review status: criteria provided, single submitter. Criteria: ACMG Guidelines, 2015. Collection method: clinical testing. Allele origin: unknown. Not counted in ClinVar's aggregate classification.

ClinVar Staff, National Center for Biotechnology Information (NCBI)
No classification provided. Condition: Familial cancer of breast. Review status: no classification provided. Collection method: literature only. Allele origin: germline. Affected: yes. Not counted in ClinVar's aggregate classification.

Literature cited by the submitters: PubMed 20104584 (cited by Labcorp Genetics (formerly Invitae), Labcorp); PubMed 21939546 (cited by Labcorp Genetics (formerly Invitae), Labcorp and ClinVar Staff, National Center for Biotechnology Information (NCBI)).